The following is an entry in ClinVar:

ClinVar aggregate classification (germline): Pathogenic (1 of 4 stars; one submission).

Conditions:
Peroxisome biogenesis disorder 9B. Also called: PEX7-Related Refsum Disease; PEROXISOME BIOGENESIS DISORDER, PEX7-RELATED, ATYPICAL; Refsum disease, adult, 2. Identifiers: Orphanet 773, MedGen C2749346, MONDO:0013945, OMIM 614879.

Submission:

Labcorp Genetics (formerly Invitae), Labcorp
Classification: Pathogenic for Peroxisome biogenesis disorder 9B. Last evaluated: 2022-01-02. Review status: criteria provided, single submitter. Criteria: Invitae Variant Classification Sherloc (09022015). Collection method: clinical testing. Allele origin: germline.
Comment: This variant is a gross deletion of the genomic region encompassing exon(s) 1 of the PEX7 gene, which includes the initiator codon. This deletion extends beyond the assayed region for this gene and therefore may encompass additional genes. It is expected to result in an absent or disrupted protein product. Loss-of-function variants in PEX7 are known to be pathogenic (PMID: 12325024, 12522768, 20301447). This variant has not been reported in the literature in individuals affected with PEX7-related conditions. For these reasons, this variant has been classified as Pathogenic.

Literature cited by the submitters: PubMed 12325024; PubMed 12522768; PubMed 20301447.

NC_000006.11:g.(?_137143759)_(137143943_?)del

Gene: PEX7 (peroxisomal biogenesis factor 7; plus strand). Cytogenetic location: 6q23.3.
Variant type: Deletion.
Identifiers: ClinVar variation 1454842 (VCV001454842.4).